The following is an entry in ClinVar:

ClinVar aggregate classification (germline): Pathogenic (1 of 4 stars; one submission).

Conditions:
Hereditary cancer-predisposing syndrome. Also called: Tumor predisposition; Hereditary Cancer Syndrome; Hereditary neoplastic syndrome; Neoplastic Syndromes, Hereditary. Identifiers: Orphanet 140162, MedGen C0027672, MeSH D009386, MONDO:0015356.

Submission:

Molecular Diagnostics Laboratory, Catalan Institute of Oncology
Classification: Pathogenic for Hereditary cancer-predisposing syndrome. Last evaluated: 2025-05-23. Review status: criteria provided, single submitter. Criteria: ClinGen ACMG Specifications APC V1.0.0. Collection method: clinical testing. Allele origin: germline. Inheritance: Autosomal dominant inheritance. Affected: yes.
Comment: c.3410_3411insLINE, located in exon 16 of the APC gene, consists in the insertion of a LINE element of 6057 nucleotides, causing a translational frameshift with a predicted alternate stop codon (p.(Asp1137delinsGluArgArgTer)). This alteration is expected to result in loss of function by premature protein truncation and nonsense-mediated mRNA decay (PVS1). It is not present in either of the population databases gnomAD v4.1.0 and gnomAD SVs v4.1.0 (PM2_supporting). The variant has not been reported in ClinVar or in LOVD databases. Based on the currently available information, c.3410_3411insLINE is classified as a pathogenic variant according to ClinGen InSiGHT Hereditary Colorectal Cancer/Polyposis Expert Panel Specifications to the ACMG/AMP Variant Interpretation Guidelines for APC v1.0.0.

NM_000038.6:c.3410_3411ins[PQ998981.1:g.1_6057]

Gene: APC (APC regulator of Wnt signaling pathway; plus strand).
Variant type: Insertion.
Other names: c.3410_3411ins[PQ998981.1:g.1_6057] (NM_000038.6).
Identifiers: ClinVar variation 4533208 (VCV004533208.1).